The following is an entry in ClinVar:

NM_001079802.2(FKTN):c.78C>G (p.Tyr26Ter)

Gene: FKTN (fukutin; plus strand). Cytogenetic location: 9q31.2.
Variant type: single nucleotide variant.
Coding change: c.78C>G on transcript NM_001079802.2 (MANE Select); coding-DNA position 78, C replaced by G.
Protein change: p.Tyr26Ter; replaces tyrosine 26 with a stop codon.
Molecular consequence: nonsense. On other transcripts: non-coding transcript variant (2), 5 prime UTR variant (5).
Genome position (GRCh38, 1-based): chr9:105,575,110, C>G. VCF-style: chr9-105575110-C-G. GRCh37 (hg19) VCF-style: chr9-108337391-C-G.
Other names: c.78C>G, p.Tyr26Ter (NM_001198963.2, NM_001351496.2, NM_001351498.2 and 1 more transcripts); c.-90C>G (NM_001351497.2); c.-437C>G (NM_001351499.2, NM_001351500.2, NM_001351501.2 and 1 more transcripts); short protein forms Y26*.
Identifiers: ClinVar variation 1252030 (VCV001252030.4), dbSNP rs369797361, ClinGen allele CA374330943.

ClinVar aggregate classification (germline): Pathogenic. Review status: criteria provided, multiple submitters, no conflicts (2 of 4 stars). 3 submissions from 2 submitters: Pathogenic (2). 1 of the submissions does not count toward it. Last evaluated 2024-03-17.

Conditions:
Muscular dystrophy-dystroglycanopathy (congenital with brain and eye anomalies), type A, 4 (MDDGA4). Also called: Walker-Warburg Syndrome, Fktn-Related; Muscular dystrophy, congenital progressive, with mental retardation; Muscular dystrophy, congenital, with central nervous system involvement; Cerebromuscular dystrophy, Fukuyama type; Congenital muscular dystrophy-dystroglycanopathy with brain and eye anomalies, type A4; WALKER-WARBURG SYNDROME OR MUSCLE-EYE-BRAIN DISEASE, FKTN-RELATED. Identifiers: Orphanet 272, Orphanet 588, Orphanet 899, MedGen C0410174, MONDO:0009678, OMIM 253800.
Dilated cardiomyopathy 1X (CMD1X). Also called: FKTN-Related Dilated Cardiomyopathy; CARDIOMYOPATHY, DILATED, WITH MILD OR NO PROXIMAL MUSCLE WEAKNESS. Identifiers: Orphanet 154, MedGen C1969024, MONDO:0012704, OMIM 611615.

Submissions (3):

Genomic Medicine Center of Excellence, King Faisal Specialist Hospital and Research Centre
Classification: Pathogenic for Muscular dystrophy-dystroglycanopathy (congenital with brain and eye anomalies), type A, 4. Last evaluated: 2024-03-17. Review status: criteria provided, single submitter. Criteria: ACMG Guidelines, 2015. Collection method: research. Allele origin: germline.

Baylor Genetics
Classification: Pathogenic for Dilated cardiomyopathy 1X. Last evaluated: 2023-02-24. Review status: criteria provided, single submitter. Criteria: ACMG Guidelines, 2015. Collection method: clinical testing. Allele origin: unknown.

Genomic Medicine Center of Excellence, King Faisal Specialist Hospital and Research Centre
Classification: Pathogenic for Muscular dystrophy-dystroglycanopathy (congenital with brain and eye anomalies), type A, 4. Last evaluated: 2021-04-29. Review status: flagged submission. Collection method: research. Allele origin: germline. Affected: no. Not counted in ClinVar's aggregate classification.
ClinVar note: Reason: This record appears to be redundant with a more recent record from the same submitter.
ClinVar note: Notes: SCV001870470 appears to be redundant with SCV004805149.